The following is an entry in ClinVar:

ClinVar aggregate classification (germline): Uncertain significance (1 of 4 stars; one submission).

Conditions:
CACNA1D-related disorder.

Submission:

PreventionGenetics, part of Exact Sciences
Classification: Uncertain significance for CACNA1D-related condition. Last evaluated: 2023-10-13. Review status: criteria provided, single submitter. Criteria: ACMG Guidelines, 2015. Collection method: clinical testing. Allele origin: germline.
Comment: The CACNA1D c.5427C>G variant is predicted to result in the amino acid substitution p.His1809Gln. To our knowledge, this variant has not been reported in the literature or in a large population database, indicating this variant is rare. At this time, the clinical significance of this variant is uncertain due to the absence of conclusive functional and genetic evidence.

NM_001128840.3(CACNA1D):c.5367C>G (p.His1789Gln)

Gene: CACNA1D (calcium voltage-gated channel subunit alpha1 D; plus strand). Cytogenetic location: 3p21.1.
Variant type: single nucleotide variant.
Coding change: c.5367C>G on transcript NM_001128840.3 (MANE Select); coding-DNA position 5367, C replaced by G.
Protein change: p.His1789Gln; replaces histidine 1789 with glutamine.
Molecular consequence: missense variant.
Genome position (GRCh38, 1-based): chr3:53,801,384, C>G. VCF-style: chr3-53801384-C-G. GRCh37 (hg19) VCF-style: chr3-53835411-C-G.
Other names: c.5427C>G, p.His1809Gln (NM_000720.4); c.5322C>G, p.His1774Gln (NM_001128839.3); short protein forms H1774Q, H1789Q, H1809Q.
Identifiers: ClinVar variation 2633934 (VCV002633934.1), dbSNP rs2474470973, ClinGen allele CA353251702.